The following is an entry in ClinVar:

NM_006254.4(PRKCD):c.715A>G (p.Met239Val)

Gene: PRKCD (protein kinase C delta; plus strand). Cytogenetic location: 3p21.1.
Variant type: single nucleotide variant.
Coding change: c.715A>G on transcript NM_006254.4 (MANE Select); coding-DNA position 715, A replaced by G.
Protein change: p.Met239Val; replaces methionine 239 with valine.
Molecular consequence: missense variant.
Genome position (GRCh38, 1-based): chr3:53,183,509, A>G. VCF-style: chr3-53183509-A-G. GRCh37 (hg19) VCF-style: chr3-53217525-A-G.
Other names: c.715A>G, p.Met239Val (LRG_1327t1, NM_001316327.2, NM_001354679.2 and 2 more transcripts); c.772A>G, p.Met258Val (NM_001354676.2); c.763A>G, p.Met255Val (NM_001354678.2); short protein forms M239V, M255V, M258V.
Identifiers: ClinVar variation 474769 (VCV000474769.5), dbSNP rs369236318, ClinGen allele CA2451947.

ClinVar aggregate classification (germline): Uncertain significance (1 of 4 stars; one submission).

Conditions:
Autoimmune lymphoproliferative syndrome, type III caused by mutation in PRKCD. Identifiers: Orphanet 3261, Orphanet 664711, MedGen C3809928, MONDO:8000024, OMIM 615559.

Allele frequency attached by ClinVar (database versions not stated): 1000 Genomes Project below 0.00001; TOPMed 0.00005; ExAC 0.00002; gnomAD 0.00002 and 0.00003; ESP Exome Variant Server 0.00008; gnomAD exomes 0.00001.

Submission:

Labcorp Genetics (formerly Invitae), Labcorp
Classification: Uncertain significance for Autoimmune lymphoproliferative syndrome, type III caused by mutation in PRKCD. Last evaluated: 2019-10-30. Review status: criteria provided, single submitter. Criteria: Invitae Variant Classification Sherloc (09022015). Collection method: clinical testing. Allele origin: germline.
Comment: This variant is present in population databases (rs369236318, ExAC 0.02%). This sequence change replaces methionine with valine at codon 239 of the PRKCD protein (p.Met239Val). The methionine residue is highly conserved and there is a small physicochemical difference between methionine and valine. This variant has not been reported in the literature in individuals with a PRKCD-related disease. In summary, this variant has uncertain impact on PRKCD function. The available evidence is currently insufficient to determine its role in disease. Therefore, it has been classified as a Variant of Uncertain Significance. Algorithms developed to predict the effect of sequence changes on RNA splicing suggest that this variant may create or strengthen a splice site, but this prediction has not been confirmed by published transcriptional studies. Algorithms developed to predict the effect of missense changes on protein structure and function do not agree on the potential impact of this missense change (SIFT: "Deleterious"; PolyPhen-2: "Possibly Damaging"; Align-GVGD: "Class C0").